The following is an entry in ClinVar:

NM_001711.6(BGN):c.853G>A (p.Asp285Asn)

Gene: BGN (biglycan; plus strand). Cytogenetic location: Xq28.
Variant type: single nucleotide variant.
Coding change: c.853G>A on transcript NM_001711.6 (MANE Select); coding-DNA position 853, G replaced by A.
Protein change: p.Asp285Asn; replaces aspartic acid 285 with asparagine.
Molecular consequence: missense variant.
Genome position (GRCh38, 1-based): chrX:153,507,129, G>A. VCF-style: chrX-153507129-G-A. GRCh37 (hg19) VCF-style: chrX-152772587-G-A.
Other names: short protein forms D285N.
Identifiers: ClinVar variation 4741365 (VCV004741365.1).

ClinVar aggregate classification (germline): Uncertain significance (1 of 4 stars; one submission).

Submission:

Labcorp Genetics (formerly Invitae), Labcorp
Classification: Uncertain significance. Last evaluated: 2025-11-17. Review status: criteria provided, single submitter. Criteria: Invitae Variant Classification Sherloc (09022015). Collection method: clinical testing. Allele origin: germline.
Comment: This sequence change replaces aspartic acid, which is acidic and polar, with asparagine, which is neutral and polar, at codon 285 of the BGN protein (p.Asp285Asn). This variant is not present in population databases (gnomAD no frequency). This variant has not been reported in the literature in individuals affected with BGN-related conditions. Invitae Evidence Modeling of protein sequence and biophysical properties (such as structural, functional, and spatial information, amino acid conservation, physicochemical variation, residue mobility, and thermodynamic stability) indicates that this missense variant is not expected to disrupt BGN protein function with a negative predictive value of 80%. In summary, the available evidence is currently insufficient to determine the role of this variant in disease. Therefore, it has been classified as a Variant of Uncertain Significance.